The following is an entry in ClinVar:

ClinVar aggregate classification (germline): Uncertain significance. Review status: criteria provided, multiple submitters, no conflicts (2 of 4 stars). 2 submissions from 2 submitters: Uncertain significance (2). Last evaluated 2026-07-02.

Conditions:
Hereditary nonpolyposis colorectal neoplasms. Identifiers: MedGen C0009405, MeSH D003123.
Hereditary cancer-predisposing syndrome. Also called: Tumor predisposition; Hereditary Cancer Syndrome; Hereditary neoplastic syndrome; Neoplastic Syndromes, Hereditary. Identifiers: Orphanet 140162, MedGen C0027672, MeSH D009386, MONDO:0015356.

Submissions (2):

Ambry Genetics
Classification: Uncertain significance for Hereditary cancer-predisposing syndrome. Last evaluated: 2026-07-02. Review status: criteria provided, single submitter. Criteria: Ambry Variant Classification Scheme 2023. Collection method: clinical testing. Allele origin: germline.
Comment: The p.H388R variant (also known as c.1163A>G), located in coding exon 11 of the PMS2 gene, results from an A to G substitution at nucleotide position 1163. The histidine at codon 388 is replaced by arginine, an amino acid with highly similar properties. This amino acid position is conserved. In addition, this alteration is predicted to be tolerated by in silico analysis. Based on the available evidence, the clinical significance of this variant remains unclear.

Labcorp Genetics (formerly Invitae), Labcorp
Classification: Uncertain significance for Hereditary nonpolyposis colorectal neoplasms. Last evaluated: 2020-01-10. Review status: criteria provided, single submitter. Criteria: Invitae Variant Classification Sherloc (09022015). Collection method: clinical testing. Allele origin: germline.
Comment: In summary, the available evidence is currently insufficient to determine the role of this variant in disease. Therefore, it has been classified as a Variant of Uncertain Significance. Algorithms developed to predict the effect of missense changes on protein structure and function output the following: SIFT: "Tolerated"; PolyPhen-2: "Benign"; Align-GVGD: "Class C0". The arginine amino acid residue is found in multiple mammalian species, suggesting that this missense change does not adversely affect protein function. These predictions have not been confirmed by published functional studies and their clinical significance is uncertain. This variant has not been reported in the literature in individuals with PMS2-related conditions. This variant is not present in population databases (ExAC no frequency). This sequence change replaces histidine with arginine at codon 388 of the PMS2 protein (p.His388Arg). The histidine residue is weakly conserved and there is a small physicochemical difference between histidine and arginine.

NM_000535.7(PMS2):c.1163A>G (p.His388Arg)

Gene: PMS2 (PMS1 homolog 2, mismatch repair system component; minus strand). Cytogenetic location: 7p22.1.
Variant type: single nucleotide variant.
Coding change: c.1163A>G on transcript NM_000535.7 (MANE Select); coding-DNA position 1163, A replaced by G.
Protein change: p.His388Arg; replaces histidine 388 with arginine.
Molecular consequence: missense variant. On other transcripts: non-coding transcript variant (1).
Genome position (GRCh38, 1-based): chr7:5,987,602, T>C on the plus strand (A>G on the coding strand, the complement: PMS2 is on the minus strand). VCF-style: chr7-5987602-T-C. GRCh37 (hg19) VCF-style: chr7-6027233-T-C.
Other names: c.1163A>G (NM_000535.5); c.758A>G, p.His253Arg (NM_001322003.2, NM_001322004.2, NM_001322005.2 and 1 more transcripts); c.1007A>G, p.His336Arg (NM_001322006.2); c.845A>G, p.His282Arg (NM_001322007.2, NM_001322008.2); c.602A>G, p.His201Arg (NM_001322010.2); c.230A>G, p.His77Arg (NM_001322011.2, NM_001322012.2); c.590A>G, p.His197Arg (NM_001322013.2); c.1163A>G, p.His388Arg (NM_001322014.2); and 1 more; short protein forms H197R, H201R, H253R, H285R, H77R, H336R, H388R, H282R.
Identifiers: ClinVar variation 1046047 (VCV001046047.10), dbSNP rs1178645647, ClinGen allele CA366742662.